The following is an entry in ClinVar:

ClinVar aggregate classification (germline): Conflicting classifications of pathogenicity. Review status: criteria provided, conflicting classifications (1 of 4 stars). 2 submissions from 2 submitters: Uncertain significance (1); Likely benign (1). Last evaluated 2022-04-23.

Allele frequency attached by ClinVar (database versions not stated): ExAC 0.00002; gnomAD exomes 0.00002 and 0.00003; gnomAD 0.00005; ESP Exome Variant Server 0.00008; TOPMed 0.00008.

Submissions (2):

Labcorp Genetics (formerly Invitae), Labcorp
Classification: Uncertain significance. Last evaluated: 2022-04-23. Review status: criteria provided, single submitter. Criteria: Invitae Variant Classification Sherloc (09022015). Collection method: clinical testing. Allele origin: germline.
Comment: This sequence change falls in intron 6 of the HARS2 gene. It does not directly change the encoded amino acid sequence of the HARS2 protein. It affects a nucleotide within the consensus splice site. This variant is present in population databases (rs372828105, gnomAD 0.006%). This variant has not been reported in the literature in individuals affected with HARS2-related conditions. ClinVar contains an entry for this variant (Variation ID: 680340). Variants that disrupt the consensus splice site are a relatively common cause of aberrant splicing (PMID: 17576681, 9536098). Algorithms developed to predict the effect of sequence changes on RNA splicing suggest that this variant is not likely to affect RNA splicing. In summary, the available evidence is currently insufficient to determine the role of this variant in disease. Therefore, it has been classified as a Variant of Uncertain Significance.

GeneDx
Classification: Likely benign. Last evaluated: 2018-03-19. Review status: criteria provided, single submitter. Criteria: GeneDx Variant Classification (06012015). Collection method: clinical testing. Allele origin: germline. Affected: yes.
Comment: This variant is considered likely benign or benign based on one or more of the following criteria: it is a conservative change, it occurs at a poorly conserved position in the protein, it is predicted to be benign by multiple in silico algorithms, and/or has population frequency not consistent with disease.

Literature cited by the submitters: PubMed 17576681 (cited by Labcorp Genetics (formerly Invitae), Labcorp); PubMed 9536098 (cited by Labcorp Genetics (formerly Invitae), Labcorp).

NM_012208.4(HARS2):c.633+4A>T

Gene: HARS2 (histidyl-tRNA synthetase 2, mitochondrial; plus strand). Cytogenetic location: 5q31.3.
Variant type: single nucleotide variant.
Coding change: c.633+4A>T on transcript NM_012208.4 (MANE Select); 4 bases into the intron after coding-DNA position 633, A replaced by T.
Molecular consequence: intron variant.
Genome position (GRCh38, 1-based): chr5:140,695,849, A>T. VCF-style: chr5-140695849-A-T. GRCh37 (hg19) VCF-style: chr5-140075434-A-T.
Other names: c.201+4A>T (NM_001278732.2); c.651+4A>T (NM_001363535.2); c.558+4A>T (NM_001278731.2); c.423+4A>T (NM_001363536.2).
Identifiers: ClinVar variation 680340 (VCV000680340.3), dbSNP rs372828105, ClinGen allele CA3444477.